The following is an entry in ClinVar:

NM_003482.4(KMT2D):c.11162TGCAGC[1] (p.3721LQ[1])

Gene: KMT2D (lysine methyltransferase 2D; minus strand). Cytogenetic location: 12q13.12.
Variant type: Microsatellite.
Coding change: c.11162TGCAGC[1] on transcript NM_003482.4 (MANE Select); one copy of the 6-base unit TGCAGC starting at c.11162; the reference has two copies in a row; one copy, 6 bases deleted.
Protein change: p.3721LQ[1].
Molecular consequence: inframe deletion.
Genome position (GRCh38, 1-based): chr12:49,033,532-49,033,537, GCTGCA deleted on the plus strand (TGCAGC on the coding strand, the reverse complement: KMT2D is on the minus strand); deleting any 6 consecutive bases within chr12:49,033,532-49,033,548 gives the same sequence; the position shown is the placement nearest the transcript's 3' end. VCF-style (leftmost placement, unchanged base first): chr12-49033531-TGCTGCA-T. GRCh37 (hg19) VCF-style: chr12-49427314-TGCTGCA-T.
Identifiers: ClinVar variation 1415275 (VCV001415275.6), dbSNP rs771711980, ClinGen allele CA2580615187.
Genomic context (GRCh38, chr12:49,033,531, plus strand): 5'-TGCTGCTGCTGTTGCTGCTGCTGCTGCTGCTGCAGTTTCTGGGCCAGCTGCATACGTTGC[TGCTGCA>T]GCTGCAGCTGCCTTTCCTGTAAAAGCCTTGAATCAGGTCCGAGGCTTCGAAGAGCAAGGT-3'

ClinVar aggregate classification (germline): Uncertain significance (1 of 4 stars; one submission).

Conditions:
Kabuki syndrome. Also called: NIIKAWA-KUROKI SYNDROME; Kabuki make-up syndrome. Identifiers: Orphanet 2322, MedGen C0796004, MONDO:0016512.

Submission:

Labcorp Genetics (formerly Invitae), Labcorp
Classification: Uncertain significance for Kabuki syndrome. Last evaluated: 2021-11-23. Review status: criteria provided, single submitter. Criteria: Invitae Variant Classification Sherloc (09022015). Collection method: clinical testing. Allele origin: germline.
Comment: In summary, the available evidence is currently insufficient to determine the role of this variant in disease. Therefore, it has been classified as a Variant of Uncertain Significance. Experimental studies and prediction algorithms are not available or were not evaluated, and the functional significance of this variant is currently unknown. This variant has not been reported in the literature in individuals affected with KMT2D-related conditions. This variant is not present in population databases (gnomAD no frequency). This variant, c.11168_11173del, results in the deletion of 2 amino acid(s) of the KMT2D protein (p.Leu3723_Gln3724del), but otherwise preserves the integrity of the reading frame.